The following is an entry in ClinVar:

ClinVar aggregate classification (germline): Uncertain significance (1 of 4 stars; one submission).

Conditions:
Duchenne muscular dystrophy (DMD). Also called: MUSCULAR DYSTROPHY, PSEUDOHYPERTROPHIC PROGRESSIVE, DUCHENNE TYPE; Duchenne Muscular Dystrophy (DMD). Identifiers: Orphanet 98896, MedGen C0013264, MONDO:0010679, OMIM 310200.

gnomAD v4.1: 3 of 1,210,284 alleles (0.00025%); highest among the groups gnomAD compares: South Asian, 0.0053%; no homozygotes.

Submission:

Labcorp Genetics (formerly Invitae), Labcorp
Classification: Uncertain significance for Duchenne muscular dystrophy. Last evaluated: 2024-12-12. Review status: criteria provided, single submitter. Criteria: Invitae Variant Classification Sherloc (09022015). Collection method: clinical testing. Allele origin: germline.
Comment: This sequence change falls in intron 9 of the DMD gene. It does not directly change the encoded amino acid sequence of the DMD protein. It affects a nucleotide within the consensus splice site. The frequency data for this variant in the population databases is considered unreliable, as metrics indicate poor data quality at this position in the gnomAD database. This variant has not been reported in the literature in individuals affected with DMD-related conditions. Variants that disrupt the consensus splice site are a relatively common cause of aberrant splicing (PMID: 17576681, 9536098). Algorithms developed to predict the effect of sequence changes on RNA splicing suggest that this variant may disrupt the consensus splice site. In summary, the available evidence is currently insufficient to determine the role of this variant in disease. Therefore, it has been classified as a Variant of Uncertain Significance.

Literature cited by the submitters: PubMed 17576681; PubMed 9536098.

NM_004006.3(DMD):c.960+5G>A

Gene: DMD (dystrophin; minus strand). Cytogenetic location: Xp21.1.
Variant type: single nucleotide variant.
Coding change: c.960+5G>A on transcript NM_004006.3 (MANE Select); 5 bases into the intron after coding-DNA position 960, G replaced by A.
Molecular consequence: intron variant.
Genome position (GRCh38, 1-based): chrX:32,697,865, C>T on the plus strand (G>A on the coding strand, the complement: DMD is on the minus strand). VCF-style: chrX-32697865-C-T. GRCh37 (hg19) VCF-style: chrX-32715982-C-T.
Other names: c.936+5G>A (NM_000109.4); c.948+5G>A (NM_004009.3); c.591+5G>A (NM_004010.3).
Identifiers: ClinVar variation 3616863 (VCV003616863.2).